The following is an entry in ClinVar:

ClinVar aggregate classification (germline): Pathogenic (1 of 4 stars; one submission).

Conditions:
Medium-chain acyl-coenzyme A dehydrogenase deficiency (ACADMD). Also called: ACADM DEFICIENCY; MCADD; Medium chain acyl-CoA dehydrogenase deficiency; CARNITINE DEFICIENCY SECONDARY TO MEDIUM-CHAIN ACYL-CoA DEHYDROGENASE DEFICIENCY; MCAD Deficiency; MCADH DEFICIENCY. Identifiers: Orphanet 42, MedGen C0220710, MONDO:0008721, OMIM 201450.

Submissions (2):

Labcorp Genetics (formerly Invitae), Labcorp
Classification: Pathogenic for Medium-chain acyl-coenzyme A dehydrogenase deficiency. Last evaluated: 2023-03-10. Review status: criteria provided, single submitter. Criteria: Invitae Variant Classification Sherloc (09022015). Collection method: clinical testing. Allele origin: germline.
Comment: For these reasons, this variant has been classified as Pathogenic. This variant has not been reported in the literature in individuals affected with ACADM-related conditions. This sequence change creates a premature translational stop signal (p.Trp191*) in the ACADM gene. It is expected to result in an absent or disrupted protein product. Loss-of-function variants in ACADM are known to be pathogenic (PMID: 16121256, 20434380). This variant is not present in population databases (gnomAD no frequency).

Dr. Peter K. Rogan Lab, Western University
No classification provided (evidence only). Condition: Glioma susceptibility 1. Review status: no classification provided. Collection method: in vitro. Allele origin: not applicable. Functional consequence: retained intron. Not counted in ClinVar's aggregate classification.

Literature cited by the submitters: PubMed 16121256 (cited by Labcorp Genetics (formerly Invitae), Labcorp); PubMed 20434380 (cited by Labcorp Genetics (formerly Invitae), Labcorp).

NM_000016.6(ACADM):c.573G>A (p.Trp191Ter)

Gene: ACADM (acyl-CoA dehydrogenase medium chain; plus strand). Cytogenetic location: 1p31.1.
Variant type: single nucleotide variant.
Coding change: c.573G>A on transcript NM_000016.6 (MANE Select); coding-DNA position 573, G replaced by A.
Protein change: p.Trp191Ter; replaces tryptophan 191 with a stop codon.
Molecular consequence: nonsense.
Genome position (GRCh38, 1-based): chr1:75,740,084, G>A. VCF-style: chr1-75740084-G-A. GRCh37 (hg19) VCF-style: chr1-76205769-G-A.
Other names: c.585G>A, p.Trp195Ter (NM_001127328.3); c.465G>A, p.Trp155Ter (NM_001286042.2); c.672G>A, p.Trp224Ter (NM_001286043.2); c.6G>A, p.Trp2Ter (NM_001286044.2); short protein forms W195*, W2*, W224*, W155*, W191*.
Identifiers: ClinVar variation 2844866 (VCV002844866.4), dbSNP rs2525609308, ClinGen allele CA340815387.
Genomic context (GRCh38, chr1:75,740,084, plus strand): 5'-TATAAAGACCAAAGCAGAAAAGAAAGGAGATGAGTATATTATTAATGGTCAGAAGATGTG[G>A]ATAACCAACGGAGGAAAAGCTAATTGGTATGTTGTTCAAAACATCTTTGTATATTTTTTC-3'